The following is an entry in ClinVar:

NM_021176.3(G6PC2):c.699G>A (p.Leu233=)

Gene: G6PC2 (glucose-6-phosphatase catalytic subunit 2; plus strand). Cytogenetic location: 2q31.1.
Variant type: single nucleotide variant.
Coding change: c.699G>A on transcript NM_021176.3 (MANE Select); coding-DNA position 699, G replaced by A.
Protein change: p.Leu233=; no amino-acid change (leucine 233 retained).
Molecular consequence: synonymous variant. On other transcripts: 3 prime UTR variant (1).
Genome position (GRCh38, 1-based): chr2:168,907,710, G>A. VCF-style: chr2-168907710-G-A. GRCh37 (hg19) VCF-style: chr2-169764220-G-A.
Other names: c.*118G>A (NM_001081686.2).
Identifiers: ClinVar variation 3041913 (VCV003041913.2), dbSNP rs144077223, ClinGen allele CA1950786.

ClinVar aggregate classification (germline): Likely benign (0 of 4 stars; one submission).

Conditions:
G6PC2-related disorder. Also called: G6PC2-related condition.

Allele frequency attached by ClinVar (database versions not stated): 1000 Genomes Project 0.00040; 1000 Genomes Project 30x 0.00047; ESP Exome Variant Server 0.00108; TOPMed 0.00121; ExAC 0.00125; gnomAD 0.00135; gnomAD exomes 0.00161.
gnomAD v4.1: 2,538 of 1,614,102 alleles (0.16%); highest among the groups gnomAD compares: Non-Finnish European, 0.2%; 2 homozygotes.

Submission:

PreventionGenetics, part of Exact Sciences
Classification: Likely benign for G6PC2-related condition. Last evaluated: 2019-04-02. Review status: no assertion criteria provided. Collection method: clinical testing. Allele origin: germline.
Comment: This variant is classified as likely benign based on ACMG/AMP sequence variant interpretation guidelines (Richards et al. 2015 PMID: 25741868, with internal and published modifications).